The following is an entry in ClinVar:

NM_001378964.1(CDON):c.1133A>G (p.Tyr378Cys)

Gene: CDON (cell adhesion associated, oncogene regulated; minus strand). Cytogenetic location: 11q24.2.
Variant type: single nucleotide variant.
Coding change: c.1133A>G on transcript NM_001378964.1 (MANE Select); coding-DNA position 1133, A replaced by G.
Protein change: p.Tyr378Cys; replaces tyrosine 378 with cysteine.
Molecular consequence: missense variant.
Genome position (GRCh38, 1-based): chr11:126,015,306, T>C on the plus strand (A>G on the coding strand, the complement: CDON is on the minus strand). VCF-style: chr11-126015306-T-C. GRCh37 (hg19) VCF-style: chr11-125885201-T-C.
Other names: c.1133A>G, p.Tyr378Cys (NM_001243597.3, NM_016952.6); short protein forms Y378C.
Identifiers: ClinVar variation 1800851 (VCV001800851.1), dbSNP rs2497218680, ClinGen allele CA383210092.

ClinVar aggregate classification (germline): Uncertain significance (1 of 4 stars; one submission).

Submission:

GeneDx
Classification: Uncertain significance. Last evaluated: 2022-05-22. Review status: criteria provided, single submitter. Criteria: GeneDx Variant Classification Process June 2021. Collection method: clinical testing. Allele origin: germline. Affected: yes.
Comment: Not observed at significant frequency in large population cohorts (gnomAD); In silico analysis supports that this missense variant has a deleterious effect on protein structure/function; Has not been previously published as pathogenic or benign to our knowledge